The following is an entry in ClinVar:

ClinVar aggregate classification (germline): Uncertain significance (1 of 4 stars; one submission).

Submission:

Labcorp Genetics (formerly Invitae), Labcorp
Classification: Uncertain significance. Last evaluated: 2022-06-13. Review status: criteria provided, single submitter. Criteria: Invitae Variant Classification Sherloc (09022015). Collection method: clinical testing. Allele origin: germline.
Comment: In summary, the available evidence is currently insufficient to determine the role of this variant in disease. Therefore, it has been classified as a Variant of Uncertain Significance. Advanced modeling of protein sequence and biophysical properties (such as structural, functional, and spatial information, amino acid conservation, physicochemical variation, residue mobility, and thermodynamic stability) performed at Invitae indicates that this missense variant is not expected to disrupt COL9A1 protein function. This variant has not been reported in the literature in individuals affected with COL9A1-related conditions. This variant is not present in population databases (gnomAD no frequency). This sequence change replaces isoleucine, which is neutral and non-polar, with methionine, which is neutral and non-polar, at codon 885 of the COL9A1 protein (p.Ile885Met).

NM_001851.6(COL9A1):c.2655T>G (p.Ile885Met)

Gene: COL9A1 (collagen type IX alpha 1 chain; minus strand). Cytogenetic location: 6q13.
Variant type: single nucleotide variant.
Coding change: c.2655T>G on transcript NM_001851.6 (MANE Select); coding-DNA position 2655, T replaced by G.
Protein change: p.Ile885Met; replaces isoleucine 885 with methionine.
Molecular consequence: missense variant. On other transcripts: non-coding transcript variant (1).
Genome position (GRCh38, 1-based): chr6:70,217,008, A>C on the plus strand (T>G on the coding strand, the complement: COL9A1 is on the minus strand). VCF-style: chr6-70217008-A-C. GRCh37 (hg19) VCF-style: chr6-70926711-A-C.
Other names: c.1956T>G, p.Ile652Met (NM_001377289.1); c.1779T>G, p.Ile593Met (NM_001377290.1); c.1926T>G, p.Ile642Met (NM_078485.4); short protein forms I652M, I642M, I885M, I593M.
Identifiers: ClinVar variation 1486781 (VCV001486781.8), dbSNP rs2127544055, ClinGen allele CA364668006.